The following is an entry in ClinVar:

ClinVar aggregate classification (germline): Uncertain significance (1 of 4 stars; one submission).

Allele frequency attached by ClinVar (database versions not stated): gnomAD exomes 0.00003; TOPMed 0.00001; gnomAD 0.00003; ExAC 0.00002.
gnomAD v4.1: 50 of 1,614,170 alleles (0.0031%); highest among the groups gnomAD compares: Middle Eastern, 0.36%; no homozygotes.

Submission:

Mayo Clinic Laboratories, Mayo Clinic
Classification: Uncertain significance. Last evaluated: 2025-10-28. Review status: criteria provided, single submitter. Criteria: ACMG Guidelines, 2015. Collection method: clinical testing. Allele origin: germline. Observed: 3 variant alleles.
Comment: PM1

Literature cited by the submitters: PubMed 38319988.

NM_001355436.2(SPTB):c.248G>A (p.Arg83Gln)

Gene: SPTB (spectrin beta, erythrocytic; minus strand). Cytogenetic location: 14q23.3.
Variant type: single nucleotide variant.
Coding change: c.248G>A on transcript NM_001355436.2 (MANE Select); coding-DNA position 248, G replaced by A.
Protein change: p.Arg83Gln; replaces arginine 83 with glutamine.
Molecular consequence: missense variant.
Genome position (GRCh38, 1-based): chr14:64,804,991, C>T on the plus strand (G>A on the coding strand, the complement: SPTB is on the minus strand). VCF-style: chr14-64804991-C-T. GRCh37 (hg19) VCF-style: chr14-65271709-C-T.
Other names: p.Arg83Gln; c.248G>A, p.Arg83Gln (NM_001024858.4, NM_001355437.2); short protein forms R83Q.
Identifiers: ClinVar variation 2683264 (VCV002683264.2), dbSNP rs750849788, ClinGen allele CA7231503.